The following is an entry in ClinVar:

ClinVar aggregate classification (germline): Likely benign. Review status: criteria provided, multiple submitters, no conflicts (2 of 4 stars). 2 submissions from 2 submitters: Likely benign (2). Last evaluated 2018-06-16.

Allele frequency attached by ClinVar (database versions not stated): 1000 Genomes Project 30x 0.01015; TOPMed 0.01938.
gnomAD v4.1: 21,972 of 855,946 alleles (2.6%); highest among the groups gnomAD compares: Non-Finnish European, 3.4%; 359 homozygotes.

Submissions (2):

GeneDx
Classification: Likely benign. Last evaluated: 2018-06-16. Review status: criteria provided, single submitter. Criteria: GeneDx Variant Classification (06012015). Collection method: clinical testing. Allele origin: germline. Affected: yes.
Comment: This variant is considered likely benign or benign based on one or more of the following criteria: it is a conservative change, it occurs at a poorly conserved position in the protein, it is predicted to be benign by multiple in silico algorithms, and/or has population frequency not consistent with disease.

Breakthrough Genomics
Classification: Likely benign. Review status: criteria provided, single submitter. Criteria: ACMG Guidelines, 2015. Collection method: not provided. Allele origin: germline. Inheritance: Autosomal dominant inheritance. Affected: yes.

NM_017636.4(TRPM4):c.2020-117G>T

Gene: TRPM4 (transient receptor potential cation channel subfamily M member 4; plus strand). Cytogenetic location: 19q13.33.
Variant type: single nucleotide variant.
Coding change: c.2020-117G>T on transcript NM_017636.4 (MANE Select); 117 bases into the intron before coding-DNA position 2020, G replaced by T.
Molecular consequence: intron variant.
Genome position (GRCh38, 1-based): chr19:49,190,091, G>T. VCF-style: chr19-49190091-G-T. GRCh37 (hg19) VCF-style: chr19-49693348-G-T.
Other names: c.2020-117G>T (NM_001195227.2); c.412-117G>T (NM_001321282.2); c.1675-117G>T (NM_001321281.2); c.1498-117G>T (NM_001321283.2); c.958-117G>T (NM_001321285.2).
Identifiers: ClinVar variation 678738 (VCV000678738.2), dbSNP rs7256621, ClinGen allele CA309447894.